The following is an entry in ClinVar:

ClinVar aggregate classification (germline): Benign. Review status: criteria provided, multiple submitters, no conflicts (2 of 4 stars). 5 submissions from 5 submitters: Benign (4). 1 of the submissions does not count toward it. Last evaluated 2026-01-19.

Conditions:
Monogenic diabetes. Identifiers: Orphanet 183625, MedGen C3888631, MONDO:0015967.
Hypoplastic pancreas-intestinal atresia-hypoplastic gallbalder syndrome. Also called: DIABETES, NEONATAL, WITH PANCREATIC HYPOPLASIA, INTESTINAL ATRESIA, AND GALLBLADDER APLASIA OR HYPOPLASIA; Mitchell-Riley syndrome. Identifiers: Orphanet 293864, MedGen C2748662, MONDO:0017400, OMIM 615710.

Allele frequency attached by ClinVar (database versions not stated): gnomAD exomes 0.00216 and 0.00607; ExAC 0.00910; gnomAD 0.02493 and 0.02675; 1000 Genomes Project 0.02536; 1000 Genomes Project 30x 0.02780; TOPMed 0.02780; ESP Exome Variant Server 0.03023.
gnomAD v4.1: 7,115 of 1,612,708 alleles (0.44%); highest among the groups gnomAD compares: African/African-American, 8.4%; 265 homozygotes.

Submissions (5):

Labcorp Genetics (formerly Invitae), Labcorp
Classification: Benign. Last evaluated: 2026-01-19. Review status: criteria provided, single submitter. Criteria: Invitae Variant Classification Sherloc (09022015). Collection method: clinical testing. Allele origin: germline.

ARUP Laboratories, Molecular Genetics and Genomics, ARUP Laboratories
Classification: Benign for Hypoplastic pancreas-intestinal atresia-hypoplastic gallbalder syndrome. Last evaluated: 2023-11-29. Review status: criteria provided, single submitter. Criteria: ARUP Molecular Germline Variant Investigation Process 2024. Collection method: clinical testing. Allele origin: germline.

GeneDx
Classification: Benign. Last evaluated: 2021-03-17. Review status: criteria provided, single submitter. Criteria: GeneDx Variant Classification Process June 2021. Collection method: clinical testing. Allele origin: germline. Affected: yes.

Personalized Diabetes Medicine Program, University of Maryland School of Medicine
Classification: Benign for Monogenic diabetes. Last evaluated: 2018-12-21. Review status: criteria provided, single submitter. Criteria: ACMG Guidelines, 2015. Collection method: research. Allele origin: unknown. Observed: 19 variant alleles, 19 heterozygotes.
Comment: ACMG criteria: BP4 (REVEL 0.078 + 9 predictors; not using PP3/2 predictors), BA1 (8.7% in gnomAD Africans), BS2 (84 homozygotes in gnomAD), BP1 (heterozygotes variants that cause MODY with reduced penetrance are LOF per PMID: 29026101)= Benign

Genetic Services Laboratory, University of Chicago
Classification: Likely benign for AllHighlyPenetrant. Review status: no assertion criteria provided. Collection method: clinical testing. Allele origin: germline. Inheritance: Autosomal recessive inheritance. Not counted in ClinVar's aggregate classification.
Comment: Likely benign based on allele frequency in 1000 Genomes Project or ESP global frequency and its presence in a patient with a rare or unrelated disease phenotype. NOT Sanger confirmed.

Literature cited by the submitters: PubMed 29026101 (cited by Personalized Diabetes Medicine Program, University of Maryland School of Medicine).

NM_173560.4(RFX6):c.50C>A (p.Ala17Glu)

Genes: RFX6 (regulatory factor X6; plus strand), LOC127407129 (RFX6 promoter region; plus strand). Cytogenetic location: 6q22.1.
Variant type: single nucleotide variant.
Coding change: c.50C>A on transcript NM_173560.4 (MANE Select); coding-DNA position 50, C replaced by A.
Protein change: p.Ala17Glu; replaces alanine 17 with glutamic acid.
Molecular consequence: missense variant.
Genome position (GRCh38, 1-based): chr6:116,877,325, C>A. VCF-style: chr6-116877325-C-A. GRCh37 (hg19) VCF-style: chr6-117198488-C-A.
Other names: short protein forms A17E.
Identifiers: ClinVar variation 130156 (VCV000130156.28), dbSNP rs9489056, ClinGen allele CA154968.